The following is an entry in ClinVar:

ClinVar aggregate classification (germline): Likely benign (1 of 4 stars; one submission).

gnomAD v4.1: 24 of 1,614,158 alleles (0.0015%); highest among the groups gnomAD compares: East Asian, 0.0067%; no homozygotes.

Submission:

CeGaT Center for Human Genetics Tuebingen
Classification: Likely benign. Last evaluated: 2024-11-01. Review status: criteria provided, single submitter. Criteria: CeGaT Center For Human Genetics Tuebingen Variant Classification Criteria Version 2. Collection method: clinical testing. Allele origin: germline. Affected: yes. Observed: 1 variant allele.
Comment: NOX5: BP4, BP7

NM_024505.4(NOX5):c.1098G>A (p.Ser366=)

Genes: NOX5 (NADPH oxidase 5; plus strand), SPESP1-NOX5 (SPESP1-NOX5 readthrough; plus strand). Cytogenetic location: 15q23.
Variant type: single nucleotide variant.
Coding change: c.1098G>A on transcript NM_024505.4 (MANE Select); coding-DNA position 1098, G replaced by A.
Protein change: p.Ser366=; no amino-acid change (serine 366 retained).
Molecular consequence: synonymous variant.
Genome position (GRCh38, 1-based): chr15:69,035,846, G>A. VCF-style: chr15-69035846-G-A. GRCh37 (hg19) VCF-style: chr15-69328186-G-A.
Other names: c.993G>A, p.Ser331= (NM_001184780.2); c.1014G>A, p.Ser338= (NM_001184779.2).
Identifiers: ClinVar variation 3389008 (VCV003389008.14).